The following is an entry in ClinVar:

ClinVar aggregate classification (germline): Benign (1 of 4 stars; one submission).

Allele frequency attached by ClinVar (database versions not stated): TOPMed 0.00035; ESP Exome Variant Server 0.00036; gnomAD 0.00064; gnomAD exomes 0.00120; 1000 Genomes Project 0.00160; 1000 Genomes Project 30x 0.00172; ExAC 0.00726.
gnomAD v4.1: 1,780 of 1,551,208 alleles (0.11%); highest among the groups gnomAD compares: South Asian, 1.3%; 28 homozygotes.

Submission:

CeGaT Center for Human Genetics Tuebingen
Classification: Benign. Last evaluated: 2023-12-01. Review status: criteria provided, single submitter. Criteria: CeGaT Center For Human Genetics Tuebingen Variant Classification Criteria Version 2. Collection method: clinical testing. Allele origin: germline. Affected: yes. Observed: 2 variant alleles.
Comment: ARHGEF2: BP4, BP7, BS1, BS2

NM_001162383.2(ARHGEF2):c.2913G>A (p.Pro971=)

Gene: ARHGEF2 (Rho/Rac guanine nucleotide exchange factor 2; minus strand). Cytogenetic location: 1q22.
Variant type: single nucleotide variant.
Coding change: c.2913G>A on transcript NM_001162383.2 (MANE Select); coding-DNA position 2913, G replaced by A.
Protein change: p.Pro971=; no amino-acid change (proline 971 retained).
Molecular consequence: synonymous variant.
Genome position (GRCh38, 1-based): chr1:155,947,990, C>T on the plus strand (G>A on the coding strand, the complement: ARHGEF2 is on the minus strand). VCF-style: chr1-155947990-C-T. GRCh37 (hg19) VCF-style: chr1-155917781-C-T.
Other names: c.2910G>A, p.Pro970= (NM_001162384.2); c.2862G>A, p.Pro954= (NM_001350110.2, NM_001350111.2); c.2889G>A, p.Pro963= (NM_001350112.2); c.2829G>A, p.Pro943= (NM_004723.4).
Identifiers: ClinVar variation 2639439 (VCV002639439.24), dbSNP rs140711313, ClinGen allele CA1152862.